The following is an entry in ClinVar:

ClinVar aggregate classification (germline): Uncertain significance (1 of 4 stars; one submission).

gnomAD v4.1: 4 of 1,614,244 alleles (0.00025%); highest among the groups gnomAD compares: Non-Finnish European, 0.00034%; no homozygotes.

Submission:

Labcorp Genetics (formerly Invitae), Labcorp
Classification: Uncertain significance. Last evaluated: 2025-07-09. Review status: criteria provided, single submitter. Criteria: Invitae Variant Classification Sherloc (09022015). Collection method: clinical testing. Allele origin: germline.
Comment: This sequence change falls in intron 20 of the MYH3 gene. It does not directly change the encoded amino acid sequence of the MYH3 protein. It affects a nucleotide within the consensus splice site. This variant is not present in population databases (gnomAD no frequency). This variant has not been reported in the literature in individuals affected with MYH3-related conditions. Variants that disrupt the consensus splice site are a relatively common cause of aberrant splicing (PMID: 17576681, 9536098). Algorithms developed to predict the effect of sequence changes on RNA splicing suggest that this variant is not likely to affect RNA splicing. In summary, the available evidence is currently insufficient to determine the role of this variant in disease. Therefore, it has been classified as a Variant of Uncertain Significance.

Literature cited by the submitters: PubMed 17576681; PubMed 9536098.

NM_002470.4(MYH3):c.2289+6G>A

Gene: MYH3 (myosin heavy chain 3; minus strand). Cytogenetic location: 17p13.1.
Variant type: single nucleotide variant.
Coding change: c.2289+6G>A on transcript NM_002470.4 (MANE Select); 6 bases into the intron after coding-DNA position 2289, G replaced by A.
Molecular consequence: intron variant.
Genome position (GRCh38, 1-based): chr17:10,640,557, C>T on the plus strand (G>A on the coding strand, the complement: MYH3 is on the minus strand). VCF-style: chr17-10640557-C-T. GRCh37 (hg19) VCF-style: chr17-10543874-C-T.
Identifiers: ClinVar variation 4722951 (VCV004722951.1).